The following is an entry in ClinVar:

ClinVar aggregate classification (germline): Benign. Review status: criteria provided, multiple submitters, no conflicts (2 of 4 stars). 3 submissions from 2 submitters: Benign (3). Last evaluated 2018-01-13.

Conditions:
Otofaciocervical syndrome 1 (OTFCS). Identifiers: MedGen C3714941, MONDO:0024532, OMIM 166780.
Branchiootic syndrome 1 (BOS1). Also called: BO SYNDROME 1; BRANCHIOOTIC DYSPLASIA. Identifiers: MedGen C1865143, MONDO:0011258, OMIM 602588.

Allele frequency attached by ClinVar (database versions not stated): 1000 Genomes Project 0.18910; 1000 Genomes Project 30x 0.19254; gnomAD 0.21581 and 0.22152; TOPMed 0.22027; gnomAD exomes 0.50000.
gnomAD v4.1: 32,801 of 152,112 alleles (22%); highest among the groups gnomAD compares: African/African-American, 30%; 3,769 homozygotes.

Submissions (3):

Illumina Laboratory Services, Illumina
Classification: Benign for Branchiootic syndrome. Last evaluated: 2018-01-13. Review status: criteria provided, single submitter. Criteria: ICSL Variant Classification Criteria 13 December 2019. Collection method: clinical testing. Allele origin: germline.
Comment: This variant was observed in the ICSL laboratory as part of a predisposition screen in an ostensibly healthy population. It had not been previously curated by ICSL or reported in the Human Gene Mutation Database (HGMD: prior to June 1st, 2018), and was therefore a candidate for classification through an automated scoring system. Utilizing variant allele frequency, disease prevalence and penetrance estimates, and inheritance mode, an automated score was calculated to assess if this variant is too frequent to cause the disease. Based on the score and internal cut-off values, a variant classified as benign is not then subjected to further curation. The score for this variant resulted in a classification of benign for this disease.

Illumina Laboratory Services, Illumina
Classification: Benign for Otofaciocervical syndrome 1. Last evaluated: 2018-01-13. Review status: criteria provided, single submitter. Criteria: ICSL Variant Classification Criteria 13 December 2019. Collection method: clinical testing. Allele origin: germline.
Comment: the same text as in the submission from Illumina Laboratory Services, Illumina above.

Breakthrough Genomics
Classification: Benign. Review status: criteria provided, single submitter. Criteria: ACMG Guidelines, 2015. Collection method: not provided. Allele origin: germline. Inheritance: Autosomal dominant inheritance. Affected: yes.

NM_000503.6(EYA1):c.*1324T>C

Gene: EYA1 (EYA transcriptional coactivator and phosphatase 1; minus strand). Cytogenetic location: 8q13.3.
Variant type: single nucleotide variant.
Coding change: c.*1324T>C on transcript NM_000503.6 (MANE Select); 1324 bases downstream of the stop codon, T replaced by C.
Molecular consequence: 3 prime UTR variant.
Genome position (GRCh38, 1-based): chr8:71,198,016, A>G on the plus strand (T>C on the coding strand, the complement: EYA1 is on the minus strand). VCF-style: chr8-71198016-A-G. GRCh37 (hg19) VCF-style: chr8-72110251-A-G.
Other names: c.*1324T>C (NM_001288574.2, NM_001288575.2, NM_001370333.1 and 5 more transcripts).
Identifiers: ClinVar variation 363627 (VCV000363627.6), dbSNP rs56115941, ClinGen allele CA10628254.
Genomic context (GRCh38, chr8:71,198,016, plus strand): 5'-AGAGGAACGTTGTTTCCATGGTGATGACAATGGCAATGAACCTTCCTCAGGGTGACAGGA[A>G]GAAAGAGAAAATACGCACATAGGGAGTAATGCAAAGTTTGCTGATTTCCGGATTAGCATC-3'